The following is an entry in ClinVar:

ClinVar aggregate classification (germline): Uncertain significance (1 of 4 stars; one submission).

Conditions:
Hereditary cancer-predisposing syndrome. Also called: Hereditary Cancer Syndrome; Neoplastic Syndromes, Hereditary; Tumor predisposition; Hereditary neoplastic syndrome. Identifiers: Orphanet 140162, MedGen C0027672, MeSH D009386, MONDO:0015356.

Submission:

Ambry Genetics
Classification: Uncertain significance for Hereditary cancer-predisposing syndrome. Last evaluated: 2026-06-23. Review status: criteria provided, single submitter. Criteria: Ambry Variant Classification Scheme 2023. Collection method: clinical testing. Allele origin: germline.
Comment: The p.K570E variant (also known as c.1708A>G), located in coding exon 9 of the DICER1 gene, results from an A to G substitution at nucleotide position 1708. The lysine at codon 570 is replaced by glutamic acid, an amino acid with similar properties. This amino acid position is well conserved in available vertebrate species. In addition, this alteration is predicted to be tolerated by in silico analysis. Based on the available evidence, the clinical significance of this variant remains unclear.

NM_177438.3(DICER1):c.1708A>G (p.Lys570Glu)

Gene: DICER1 (dicer 1, ribonuclease III; minus strand). Cytogenetic location: 14q32.13.
Variant type: single nucleotide variant.
Coding change: c.1708A>G on transcript NM_177438.3 (MANE Select); coding-DNA position 1708, A replaced by G.
Protein change: p.Lys570Glu; replaces lysine 570 with glutamic acid.
Molecular consequence: missense variant. On other transcripts: non-coding transcript variant (6).
Genome position (GRCh38, 1-based): chr14:95,116,497, T>C on the plus strand (A>G on the coding strand, the complement: DICER1 is on the minus strand). VCF-style: chr14-95116497-T-C. GRCh37 (hg19) VCF-style: chr14-95582834-T-C.
Other names: c.1708A>G, p.Lys570Glu (NM_001195573.1, NM_001271282.3, NM_001291628.2 and 12 more transcripts); c.1426A>G, p.Lys476Glu (NM_001395686.1); c.1303A>G, p.Lys435Glu (NM_001395687.1, NM_001395688.1, NM_001395689.1 and 3 more transcripts); c.1141A>G, p.Lys381Glu (NM_001395691.1); c.25A>G, p.Lys9Glu (NM_001395697.1); short protein forms K570E, K381E, K435E, K476E, K9E.
Identifiers: ClinVar variation 5035219 (VCV005035219.1).